The following is an entry in ClinVar:

ClinVar aggregate classification (germline): Uncertain significance (1 of 4 stars; one submission).

Allele frequency attached by ClinVar (database versions not stated): gnomAD exomes below 0.00001; ExAC 0.00001; gnomAD 0.00002 and 0.00003; TOPMed 0.00002.
gnomAD v4.1: 6 of 1,614,152 alleles (0.00037%); highest among the groups gnomAD compares: African/African-American, 0.0053%; no homozygotes.

Submission:

Labcorp Genetics (formerly Invitae), Labcorp
Classification: Uncertain significance. Last evaluated: 2021-03-26. Review status: criteria provided, single submitter. Criteria: Invitae Variant Classification Sherloc (09022015). Collection method: clinical testing. Allele origin: germline.
Comment: This sequence change replaces serine with glycine at codon 66 of the MAP3K8 protein (p.Ser66Gly). The serine residue is highly conserved and there is a small physicochemical difference between serine and glycine. This variant is present in population databases (rs758966181, ExAC 0.001%). This variant has not been reported in the literature in individuals with MAP3K8-related conditions. Algorithms developed to predict the effect of missense changes on protein structure and function output the following: SIFT: "Tolerated"; PolyPhen-2: "Benign"; Align-GVGD: "Class C0". The glycine amino acid residue is found in multiple mammalian species, suggesting that this missense change does not adversely affect protein function. These predictions have not been confirmed by published functional studies and their clinical significance is uncertain. In summary, the available evidence is currently insufficient to determine the role of this variant in disease. Therefore, it has been classified as a Variant of Uncertain Significance.

NM_005204.4(MAP3K8):c.196A>G (p.Ser66Gly)

Gene: MAP3K8 (mitogen-activated protein kinase kinase kinase 8; plus strand). Cytogenetic location: 10p11.23.
Variant type: single nucleotide variant.
Coding change: c.196A>G on transcript NM_005204.4 (MANE Select); coding-DNA position 196, A replaced by G.
Protein change: p.Ser66Gly; replaces serine 66 with glycine.
Molecular consequence: missense variant.
Genome position (GRCh38, 1-based): chr10:30,439,134, A>G. VCF-style: chr10-30439134-A-G. GRCh37 (hg19) VCF-style: chr10-30728063-A-G.
Other names: c.196A>G, p.Ser66Gly (NM_001244134.1, NM_001320961.2); short protein forms S66G.
Identifiers: ClinVar variation 1469837 (VCV001469837.8), dbSNP rs758966181, ClinGen allele CA5459602.